The following is an entry in ClinVar:

ClinVar aggregate classification (germline): Uncertain significance (1 of 4 stars; one submission).

gnomAD v4.1: 34 of 1,613,902 alleles (0.0021%); highest among the groups gnomAD compares: African/African-American, 0.0067%; no homozygotes.

Submission:

GeneDx
Classification: Uncertain significance. Last evaluated: 2024-04-23. Review status: criteria provided, single submitter. Criteria: GeneDx Variant Classification Process June 2021. Collection method: clinical testing. Allele origin: germline. Affected: yes.
Comment: Not observed at significant frequency in large population cohorts (gnomAD); In silico analysis indicates that this missense variant does not alter protein structure/function; Has not been previously published as pathogenic or benign to our knowledge

NM_017646.6(TRIT1):c.806C>T (p.Ser269Leu)

Gene: TRIT1 (tRNA isopentenyltransferase 1; minus strand). Cytogenetic location: 1p34.2.
Variant type: single nucleotide variant.
Coding change: c.806C>T on transcript NM_017646.6 (MANE Select); coding-DNA position 806, C replaced by T.
Protein change: p.Ser269Leu; replaces serine 269 with leucine.
Molecular consequence: missense variant.
Genome position (GRCh38, 1-based): chr1:39,847,995, G>A on the plus strand (C>T on the coding strand, the complement: TRIT1 is on the minus strand). VCF-style: chr1-39847995-G-A. GRCh37 (hg19) VCF-style: chr1-40313667-G-A.
Other names: c.806C>T, p.Ser269Leu (NM_001312691.2); c.560C>T, p.Ser187Leu (NM_001312692.2); short protein forms S187L, S269L.
Identifiers: ClinVar variation 3369178 (VCV003369178.1).